The following is an entry in ClinVar:

ClinVar aggregate classification (germline): Benign. Review status: reviewed by expert panel (3 of 4 stars). 2 submissions from 2 submitters: Benign (1). 1 of the submissions does not count toward it. Last evaluated 2015-01-12.

Conditions:
Breast-ovarian cancer, familial, susceptibility to, 2 (BROVCA2). Also called: BRCA2 Hereditary Breast and Ovarian Cancer. Identifiers: Orphanet 145, MedGen C2675520, MONDO:0012933, OMIM 612555. Disease mechanism: loss of function.

Allele frequency attached by ClinVar (database versions not stated): 1000 Genomes Project 30x 0.97548; 1000 Genomes Project 0.97664; TOPMed 0.97873; gnomAD 0.98251.
gnomAD v4.1: 145,381 of 148,146 alleles (98%); highest among the groups gnomAD compares: East Asian, 100%; 71,397 homozygotes.

Submissions (2):

Evidence-based Network for the Interpretation of Germline Mutant Alleles (ENIGMA)
Classification: Benign for Breast-ovarian cancer, familial 2. Last evaluated: 2015-01-12. Review status: reviewed by expert panel. Criteria: ENIGMA BRCA1/2 Classification Criteria (2015). Collection method: curation. Allele origin: germline.
Comment: Class 1 not pathogenic based on frequency >1% in an outbred sampleset. Frequency 0.909 (African), derived from 1000 genomes (2012-04-30).

Breakthrough Genomics
Classification: Benign. Review status: criteria provided, single submitter. Criteria: ACMG Guidelines, 2015. Collection method: not provided. Allele origin: germline. Inheritance: Autosomal recessive inheritance. Affected: yes. Not counted in ClinVar's aggregate classification.

NM_000059.4(BRCA2):c.9256+459T>A

Gene: BRCA2 (BRCA2 DNA repair associated; plus strand). Cytogenetic location: 13q13.1.
Variant type: single nucleotide variant.
Coding change: c.9256+459T>A on transcript NM_000059.4 (MANE Select); 459 bases into the intron after coding-DNA position 9256, T replaced by A.
Molecular consequence: intron variant.
Genome position (GRCh38, 1-based): chr13:32,380,604, T>A. VCF-style: chr13-32380604-T-A. GRCh37 (hg19) VCF-style: chr13-32954741-T-A.
Other names: IVS 24+459T>A.
Identifiers: ClinVar variation 209950 (VCV000209950.2), dbSNP rs206145, ClinGen allele CA276917.
Genomic context (GRCh38, chr13:32,380,604, plus strand): 5'-TTTTTTTTTTTCCCCGAGATGGAGTCTCACTCTGTTGCCCAGGCTGGAGTGCAGTGGCGC[T>A]ATCTCAGCCCACTGCAAGTTCTGCCTCCCAGGTTCACACCATTCTCCTGCCTCAGCCTCC-3'